The following is an entry in ClinVar:

ClinVar aggregate classification (germline): Pathogenic (1 of 4 stars; one submission).

Submission:

Labcorp Genetics (formerly Invitae), Labcorp
Classification: Pathogenic. Last evaluated: 2022-04-06. Review status: criteria provided, single submitter. Criteria: Invitae Variant Classification Sherloc (09022015). Collection method: clinical testing. Allele origin: germline.
Comment: For these reasons, this variant has been classified as Pathogenic. This variant has not been reported in the literature in individuals affected with ELOVL4-related conditions. This variant is not present in population databases (gnomAD no frequency). This sequence change creates a premature translational stop signal (p.Tyr56Leufs*28) in the ELOVL4 gene. It is expected to result in an absent or disrupted protein product. Loss-of-function variants in ELOVL4 are known to be pathogenic (PMID: 24571530).

Literature cited by the submitters: PubMed 24571530.

NM_022726.4(ELOVL4):c.166dup (p.Tyr56fs)

Gene: ELOVL4 (ELOVL fatty acid elongase 4; minus strand). Cytogenetic location: 6q14.1.
Variant type: Duplication.
Coding change: c.166dup on transcript NM_022726.4 (MANE Select); coding-DNA position 166, one base duplicated (T; older notation c.166dupT).
Protein change: p.Tyr56fs; shifts the reading frame from tyrosine 56.
Molecular consequence: frameshift variant.
Genome position (GRCh38, 1-based): chr6:79,926,316, A duplicated on the plus strand (T on the coding strand, the reverse complement: ELOVL4 is on the minus strand); the first of 3 consecutive A bases (chr6:79,926,316-79,926,318); duplicating any one gives the same sequence. VCF-style (leftmost placement, unchanged base first): chr6-79926315-T-TA. GRCh37 (hg19) VCF-style: chr6-80636032-T-TA.
Other names: short protein forms Y56fs.
Identifiers: ClinVar variation 2122250 (VCV002122250.4), dbSNP rs1774342365, ClinGen allele CA2580075890.
Genomic context (GRCh38, chr6:79,926,315, plus strand): 5'-CGCATCTGAAAAGGTTCTCGGTCCTTCATCCATTTTGGACCCAGCCACACAAACAGGAGA[T>TA]AAAGAGTGCTTATACTTAGTGTAGGCCAAGGAGACTGCATCAGAGGCCAATTTTCCACAC-3'